The following is an entry in ClinVar:

ClinVar aggregate classification (germline): Uncertain significance (1 of 4 stars; one submission).

Submission:

GeneDx
Classification: Uncertain significance. Last evaluated: 2025-05-20. Review status: criteria provided, single submitter. Criteria: GeneDx Variant Classification Process June 2021. Collection method: clinical testing. Allele origin: germline.
Comment: Not observed at significant frequency in large population cohorts (gnomAD); In silico analysis supports that this missense variant has a deleterious effect on protein structure/function; Has not been previously published as pathogenic or benign to our knowledge; This variant is associated with the following publications: (PMID: 38031187)

NM_001037333.3(CYFIP2):c.1355A>T (p.Glu452Val)

Gene: CYFIP2 (cytoplasmic FMR1 interacting protein 2; plus strand). Cytogenetic location: 5q33.3.
Variant type: single nucleotide variant.
Coding change: c.1355A>T on transcript NM_001037333.3 (MANE Select); coding-DNA position 1355, A replaced by T.
Protein change: p.Glu452Val; replaces glutamic acid 452 with valine.
Molecular consequence: missense variant.
Genome position (GRCh38, 1-based): chr5:157,315,093, A>T. VCF-style: chr5-157315093-A-T. GRCh37 (hg19) VCF-style: chr5-156742101-A-T.
Other names: c.1277A>T, p.Glu426Val (NM_001291721.2); c.1355A>T, p.Glu452Val (NM_001291722.2, NM_014376.4); short protein forms E426V, E452V.
Identifiers: ClinVar variation 3343901 (VCV003343901.2).
Genomic context (GRCh38, chr5:157,315,093, plus strand): 5'-AGGAATATGAGAGAGCCACACGCTACAATTACACCAGTGAGGAAAAATTTGCCTTCGTTG[A>T]GGTAGGTGCAGACTCCCTGCATCTCCCTCCCTCCCCAAGGCTGCAGCTCATGGTGGTTCC-3'
Protein context (NP_001032410.1, residues 442-462): YTSEEKFAFV[Glu452Val]VIAMIKGLQV